The following is an entry in ClinVar:

ClinVar aggregate classification (germline): Uncertain significance (1 of 4 stars; one submission).

Conditions:
Pigmentary pallidal degeneration (NBIA1). Also called: Pantothenate Kinase-Associated Neurodegeneration; Neuroaxonal dystrophy, late infantile; Hallervorden-Spatz disease; HARP SYNDROME; PKAN NEUROAXONAL DYSTROPHY, JUVENILE-ONSET; Neurodegeneration with brain iron accumulation 1. Identifiers: Orphanet 157850, MedGen C0018523, MONDO:0009319, OMIM 234200.

Submission:

Labcorp Genetics (formerly Invitae), Labcorp
Classification: Uncertain significance for Pigmentary pallidal degeneration. Last evaluated: 2022-02-19. Review status: criteria provided, single submitter. Criteria: Invitae Variant Classification Sherloc (09022015). Collection method: clinical testing. Allele origin: germline.
Comment: In summary, the available evidence is currently insufficient to determine the role of this variant in disease. Therefore, it has been classified as a Variant of Uncertain Significance. Algorithms developed to predict the effect of sequence changes on RNA splicing suggest that this variant may disrupt the consensus splice site. This variant has not been reported in the literature in individuals affected with PANK2-related conditions. This variant is not present in population databases (gnomAD no frequency). This sequence change falls in intron 6 of the PANK2 gene. It does not directly change the encoded amino acid sequence of the PANK2 protein.

NM_001386393.1(PANK2):c.1333-29_1333-8del

Gene: PANK2 (pantothenate kinase 2; plus strand). Cytogenetic location: 20p13.
Variant type: Deletion.
Coding change: c.1333-29_1333-8del on transcript NM_001386393.1 (MANE Select); 29 bases into the intron before coding-DNA position 1333 through 8 bases into the intron before coding-DNA position 1333, 22 bases deleted (GCACTTATTTTTGGTGTATTTT).
Molecular consequence: intron variant.
Genome position (GRCh38, 1-based): chr20:3,923,215-3,923,236, GCACTTATTTTTGGTGTATTTT deleted; deleting any 22 consecutive bases within chr20:3,923,213-3,923,236 gives the same sequence; the c. name uses the placement nearest the transcript's 3' end. VCF-style (leftmost placement, unchanged base first): chr20-3923212-ATTGCACTTATTTTTGGTGTATT-A. GRCh37 (hg19) VCF-style: chr20-3903859-ATTGCACTTATTTTTGGTGTATT-A.
Other names: c.790-29_790-8del (NM_024960.6, NM_001324191.2, NM_153640.4); c.1663-29_1663-8del (NM_153638.4); c.355-29_355-8del (NM_001324193.2).
Identifiers: ClinVar variation 2075641 (VCV002075641.4), dbSNP rs2515541799, ClinGen allele CA2580098003.